The following is an entry in ClinVar:

NM_001844.5(COL2A1):c.2160C>A (p.Gly720=)

Gene: COL2A1 (collagen type II alpha 1 chain; minus strand). Cytogenetic location: 12q13.11.
Variant type: single nucleotide variant.
Coding change: c.2160C>A on transcript NM_001844.5 (MANE Select); coding-DNA position 2160, C replaced by A.
Protein change: p.Gly720=; no amino-acid change (glycine 720 retained).
Molecular consequence: synonymous variant.
Genome position (GRCh38, 1-based): chr12:47,982,881, G>T on the plus strand (C>A on the coding strand, the complement: COL2A1 is on the minus strand). VCF-style: chr12-47982881-G-T. GRCh37 (hg19) VCF-style: chr12-48376664-G-T.
Other names: c.1953C>A, p.Gly651= (NM_033150.3).
Identifiers: ClinVar variation 516232 (VCV000516232.29), dbSNP rs145704340, ClinGen allele CA6535211.
Genomic context (GRCh38, chr12:47,982,881, plus strand): 5'-ACCCCTACAGGATGCAGCCTCACTTACTTTGGGACCATCAGTGCCAGGAGTGCCGGGGAG[G>T]CCACGGGGACCCTGGAGGCCCTGGGCACCGGGAGAGCCACGTTCACCTGGGAAACCTCGT-3'
Protein context (NP_001835.3, residues 710-730): PGAQGLQGPR[Gly720=]LPGTPGTDGP

ClinVar aggregate classification (germline): Benign/Likely benign. Review status: criteria provided, multiple submitters, no conflicts (2 of 4 stars). 8 submissions from 8 submitters: Benign (4); Likely benign (2). 2 of the submissions do not count toward it. Last evaluated 2026-02-02.

Conditions:
Achondrogenesis type II (ACG2). Also called: ACHONDROGENESIS, LANGER-SALDINO TYPE; CHONDROGENESIS IMPERFECTA. Identifiers: Orphanet 932, Orphanet 93296, MedGen C0220685, MONDO:0008702, OMIM 200610.
Spondyloperipheral dysplasia. Also called: SPONDYLOPERIPHERAL DYSPLASIA WITH SHORT ULNA; Spondyloperipheral dysplasia-short ulna syndrome. Identifiers: Orphanet 1856, MedGen C0796173, MONDO:0010078, OMIM 271700.
Stickler syndrome type 1 (STL1). Also called: STICKLER SYNDROME, MEMBRANOUS VITREOUS TYPE; STICKLER SYNDROME, VITREOUS TYPE 1; ARTHROOPHTHALMOPATHY, HEREDITARY PROGRESSIVE; COL2A1-Related Stickler Syndrome. Identifiers: Orphanet 828, Orphanet 90653, MedGen C2020284, MONDO:0007160, OMIM 108300.
Platyspondylic dysplasia, Torrance type (PLSDT). Identifiers: Orphanet 85166, MedGen C1835437, MONDO:0007895, OMIM 151210.
Spondylometaphyseal dysplasia - Sutcliffe type. Also called: Sutcliffe type of spondylometaphyseal dysplasia; Sutcliffe SMD; Spondylometaphyseal Dysplasia, Corner Fracture Type; Spondylometaphyseal dysplasia, 'corner fracture' type. Identifiers: Orphanet 93315, MedGen C0432221, MONDO:0008479, OMIM 184255.
Avascular necrosis of femoral head, primary, 1 (ANFH1). Also called: Avascular necrosis of femoral head, primary. Identifiers: Orphanet 86820, MedGen C4551562, MONDO:0054550, OMIM 608805.
Spondyloepiphyseal dysplasia congenita (SEDC). Also called: SED CONGENITA; SPONDYLOEPIPHYSEAL DYSPLASIA, CONGENITAL TYPE. Identifiers: Orphanet 94068, MedGen C2745959, MONDO:0008471, OMIM 183900.
Spondyloepiphyseal dysplasia, Stanescu type. Also called: SED, STANESCU TYPE; SPONDYLOEPIMETAPHYSEAL DYSPLASIA, STANESCU TYPE. Identifiers: Orphanet 459051, MedGen C4225273, MONDO:0014701, OMIM 616583.
Namaqualand hip dysplasia (OSCDP). Also called: Mild spondyloepiphyseal dysplasia due to COL2A1 mutation with early-onset osteoarthritis. Identifiers: Orphanet 93279, MedGen C0432214, MONDO:0011496, OMIM 604864.
Spondyloepiphyseal dysplasia with metatarsal shortening. Also called: Pseudorheumatoid dysplasia progressive, with hypoplastic toes; CZECH DYSPLASIA, METATARSAL TYPE; SPONDYLOEPIPHYSEAL DYSPLASIA WITH PRECOCIOUS OSTEOARTHRITIS. Identifiers: Orphanet 137678, MedGen C1836683, MONDO:0012206, OMIM 609162.
Stickler syndrome, type I, nonsyndromic ocular. Also called: STICKLER SYNDROME, TYPE I, PREDOMINANTLY OCULAR; STICKLER SYNDROME, ATYPICAL. Identifiers: MedGen C1836080, MONDO:0012287, OMIM 609508.
Spondyloepimetaphyseal dysplasia, Strudwick type (SEMDSTWK). Also called: STRUDWICK SYNDROME; DAPPLED METAPHYSIS SYNDROME. Identifiers: Orphanet 93346, MedGen C0700635, MONDO:0008476, OMIM 184250.
Multiple epiphyseal dysplasia, Beighton type. Identifiers: Orphanet 166011, MedGen C1851536, MONDO:0007562, OMIM 132450.
Legg-Calve-Perthes disease. Also called: PERTHES DISEASE; Osteochondritis deformans; Coxa plana; Avascular necrosis of the capital femoral epiphysis. Identifiers: Orphanet 2380, MedGen C1442965, MONDO:0007885, OMIM 150600, HP:0005743.
Kniest dysplasia. Identifiers: Orphanet 485, MedGen C0265279, MONDO:0007987, OMIM 156550.
Vitreoretinopathy with phalangeal epiphyseal dysplasia (VPED). Identifiers: MedGen C1852989, MONDO:0031001, OMIM 619248.
Connective tissue disorder. Also called: Connective tissue disease. Identifiers: MedGen C0009782, MONDO:0003900.

Allele frequency attached by ClinVar (database versions not stated): gnomAD exomes 0.00056 and 0.00158; ExAC 0.00183; 1000 Genomes Project 0.00579; gnomAD 0.00603 and 0.00654; TOPMed 0.00681; ESP Exome Variant Server 0.00715; 1000 Genomes Project 30x 0.00750.

Submissions (8):

Labcorp Genetics (formerly Invitae), Labcorp
Classification: Benign. Last evaluated: 2026-02-02. Review status: criteria provided, single submitter. Criteria: Invitae Variant Classification Sherloc (09022015). Collection method: clinical testing. Allele origin: germline.

ARUP Laboratories, Molecular Genetics and Genomics, ARUP Laboratories
Classification: Benign. Last evaluated: 2024-12-05. Review status: criteria provided, single submitter. Criteria: ARUP Molecular Germline Variant Investigation Process 2024. Collection method: clinical testing. Allele origin: germline.

Blueprint Genetics
Classification: Likely benign. Last evaluated: 2024-11-27. Review status: criteria provided, single submitter. Criteria: ACMG Guidelines, 2015. Collection method: clinical testing. Allele origin: germline.

Fulgent Genetics
Classification: Likely benign for Stickler syndrome type 1; Multiple epiphyseal dysplasia, Beighton type; Legg-Calve-Perthes disease; Platyspondylic dysplasia, Torrance type; Kniest dysplasia; Spondyloepiphyseal dysplasia congenita; Spondyloepimetaphyseal dysplasia, Strudwick type; Spondylometaphyseal dysplasia - Sutcliffe type; Achondrogenesis type II; Spondyloperipheral dysplasia; Namaqualand hip dysplasia; Avascular necrosis of femoral head, primary, 1; Spondyloepiphyseal dysplasia with metatarsal shortening; Stickler syndrome, type I, nonsyndromic ocular; Spondyloepiphyseal dysplasia, Stanescu type; Vitreoretinopathy with phalangeal epiphyseal dysplasia. Last evaluated: 2021-11-11. Review status: criteria provided, single submitter. Criteria: ACMG Guidelines, 2015. Collection method: clinical testing. Allele origin: unknown.

Genome Diagnostics Laboratory, The Hospital for Sick Children
Classification: Benign for Connective tissue disorder. Last evaluated: 2021-11-01. Review status: criteria provided, single submitter. Criteria: ACMG Guidelines, 2015. Collection method: clinical testing. Allele origin: germline.

GeneDx
Classification: Benign. Last evaluated: 2017-08-08. Review status: criteria provided, single submitter. Criteria: GeneDx Variant Classification (06012015). Collection method: clinical testing. Allele origin: germline. Affected: yes.
Comment: This variant is considered likely benign or benign based on one or more of the following criteria: it is a conservative change, it occurs at a poorly conserved position in the protein, it is predicted to be benign by multiple in silico algorithms, and/or has population frequency not consistent with disease.

Clinical Genetics, Academic Medical Center
Classification: Benign. Review status: no assertion criteria provided. Collection method: clinical testing. Allele origin: germline. Affected: yes. Study: VKGL Data-share Consensus. Not counted in ClinVar's aggregate classification.

Genome Diagnostics Laboratory, Amsterdam University Medical Center
Classification: Benign. Review status: no assertion criteria provided. Collection method: clinical testing. Allele origin: germline. Affected: yes. Study: VKGL Data-share Consensus. Not counted in ClinVar's aggregate classification.